The following is an entry in ClinVar:

ClinVar aggregate classification (germline): Uncertain significance (1 of 4 stars; one submission).

Conditions:
PLXNA2-related disorder. Also called: PLXNA2-related condition.

gnomAD v4.1: 35 of 1,613,936 alleles (0.0022%); highest among the groups gnomAD compares: Admixed American, 0.02%; no homozygotes.

Submission:

PreventionGenetics, part of Exact Sciences
Classification: Uncertain significance for PLXNA2-related condition. Last evaluated: 2026-05-11. Review status: criteria provided, single submitter. Criteria: ACMG Guidelines, 2015. Collection method: clinical testing. Allele origin: germline.
Comment: The PLXNA2 c.1435G>A variant is predicted to result in the amino acid substitution p.Gly479Arg. To our knowledge, this variant has not been reported in the literature. This variant is reported in 0.013% of alleles in individuals of South Asian descent in gnomAD. At this time, the clinical significance of this variant is uncertain due to the absence of conclusive functional and genetic evidence.

NM_025179.4(PLXNA2):c.1435G>A (p.Gly479Arg)

Gene: PLXNA2 (plexin A2; minus strand). Cytogenetic location: 1q32.2.
Variant type: single nucleotide variant.
Coding change: c.1435G>A on transcript NM_025179.4 (MANE Select); coding-DNA position 1435, G replaced by A.
Protein change: p.Gly479Arg; replaces glycine 479 with arginine.
Molecular consequence: missense variant.
Genome position (GRCh38, 1-based): chr1:208,142,400, C>T on the plus strand (G>A on the coding strand, the complement: PLXNA2 is on the minus strand). VCF-style: chr1-208142400-C-T. GRCh37 (hg19) VCF-style: chr1-208315745-C-T.
Other names: short protein forms G479R.
Identifiers: ClinVar variation 4981936 (VCV004981936.1).